The following is an entry in ClinVar:

ClinVar aggregate classification (germline): Pathogenic (1 of 4 stars; one submission).

Conditions:
Hereditary nonpolyposis colorectal neoplasms. Identifiers: MedGen C0009405, MeSH D003123.

Submission:

Labcorp Genetics (formerly Invitae), Labcorp
Classification: Pathogenic for Hereditary nonpolyposis colorectal neoplasms. Last evaluated: 2024-10-21. Review status: criteria provided, single submitter. Criteria: Invitae Variant Classification Sherloc (09022015). Collection method: clinical testing. Allele origin: germline.
Comment: This sequence change creates a premature translational stop signal (p.Ser28*) in the MSH6 gene. It is expected to result in an absent or disrupted protein product. Loss-of-function variants in MSH6 are known to be pathogenic (PMID: 18269114, 24362816). This variant is not present in population databases (gnomAD no frequency). This variant has not been reported in the literature in individuals affected with MSH6-related conditions. For these reasons, this variant has been classified as Pathogenic.

Literature cited by the submitters: PubMed 18269114; PubMed 24362816.

NM_000179.3(MSH6):c.83C>G (p.Ser28Ter)

Gene: MSH6 (mutS homolog 6; plus strand). Cytogenetic location: 2p16.3.
Variant type: single nucleotide variant.
Coding change: c.83C>G on transcript NM_000179.3 (MANE Select); coding-DNA position 83, C replaced by G.
Protein change: p.Ser28Ter; replaces serine 28 with a stop codon.
Molecular consequence: nonsense. On other transcripts: missense variant (1), 5 prime UTR variant (7), non-coding transcript variant (5), intron variant (5).
Genome position (GRCh38, 1-based): chr2:47,783,316, C>G. VCF-style: chr2-47783316-C-G. GRCh37 (hg19) VCF-style: chr2-48010455-C-G.
Other names: c.83C>G, p.Ser28Ter (NM_001406802.1, NM_001406803.1, NM_001406808.1 and 9 more transcripts); c.28C>G, p.His10Asp (NM_001406804.1); c.-846C>G (NM_001406807.1); c.-654C>G (NM_001406811.1, NM_001281493.2); c.-501C>G (NM_001406812.1); c.-912C>G (NM_001406814.1); c.-457C>G (NM_001406816.1); c.-38+85C>G (NM_001406805.1, NM_001406797.1, NM_001406801.1); and 3 more; short protein forms H10D, S28*.
Identifiers: ClinVar variation 3723463 (VCV003723463.2).